The following is an entry in ClinVar:

ClinVar aggregate classification (germline): Uncertain significance (1 of 4 stars; one submission).

Submission:

Labcorp Genetics (formerly Invitae), Labcorp
Classification: Uncertain significance. Last evaluated: 2023-07-07. Review status: criteria provided, single submitter. Criteria: Invitae Variant Classification Sherloc (09022015). Collection method: clinical testing. Allele origin: germline.
Comment: This variant has not been reported in the literature in individuals affected with PRPF8-related conditions. This sequence change replaces asparagine, which is neutral and polar, with serine, which is neutral and polar, at codon 752 of the PRPF8 protein (p.Asn752Ser). This variant is not present in population databases (gnomAD no frequency). ClinVar contains an entry for this variant (Variation ID: 1960395). Advanced modeling of protein sequence and biophysical properties (such as structural, functional, and spatial information, amino acid conservation, physicochemical variation, residue mobility, and thermodynamic stability) performed at Invitae indicates that this missense variant is not expected to disrupt PRPF8 protein function. In summary, the available evidence is currently insufficient to determine the role of this variant in disease. Therefore, it has been classified as a Variant of Uncertain Significance.

NM_006445.4(PRPF8):c.2255A>G (p.Asn752Ser)

Gene: PRPF8 (pre-mRNA processing factor 8; minus strand). Cytogenetic location: 17p13.3.
Variant type: single nucleotide variant.
Coding change: c.2255A>G on transcript NM_006445.4 (MANE Select); coding-DNA position 2255, A replaced by G.
Protein change: p.Asn752Ser; replaces asparagine 752 with serine.
Molecular consequence: missense variant.
Genome position (GRCh38, 1-based): chr17:1,676,638, T>C on the plus strand (A>G on the coding strand, the complement: PRPF8 is on the minus strand). VCF-style: chr17-1676638-T-C. GRCh37 (hg19) VCF-style: chr17-1579932-T-C.
Other names: short protein forms N752S.
Identifiers: ClinVar variation 1960395 (VCV001960395.5), dbSNP rs1912614739, ClinGen allele CA397553358.